The following is an entry in ClinVar:

ClinVar aggregate classification (germline): Uncertain significance (1 of 4 stars; one submission).

Submission:

Kariminejad - Najmabadi Pathology & Genetics Center
Classification: Uncertain significance. Last evaluated: 2022-09-06. Review status: criteria provided, single submitter. Criteria: ACMG Guidelines, 2015. Collection method: clinical testing. Allele origin: germline. Inheritance: Autosomal recessive inheritance. Affected: yes.
Comment: PM2,PP3,PM4

NM_001130987.2(DYSF):c.4736_4750del (p.Ser1579_Glu1583del)

Gene: DYSF (dysferlin; plus strand). Cytogenetic location: 2p13.2.
Variant type: Deletion.
Coding change: c.4736_4750del on transcript NM_001130987.2 (MANE Select); coding-DNA positions 4736 to 4750, 15 bases deleted (CTGTGATTGGTGAAT).
Protein change: p.Ser1579_Glu1583del.
Genome position (GRCh38, 1-based): chr2:71,656,271-71,656,285, CTGTGATTGGTGAAT deleted; deleting any 15 consecutive bases within chr2:71,656,269-71,656,285 gives the same sequence; the c. name uses the placement nearest the transcript's 3' end. VCF-style (leftmost placement, unchanged base first): chr2-71656268-CATCTGTGATTGGTGA-C. GRCh37 (hg19) VCF-style: chr2-71883398-CATCTGTGATTGGTGA-C.
Other names: c.4622_4636del, p.Ser1541_Glu1545del (NM_001130455.2); c.4577_4591del, p.Ser1526_Glu1530del (NM_001130976.2); c.4640_4654del, p.Ser1547_Glu1551del (NM_001130977.2); c.4682_4696del, p.Ser1561_Glu1565del (NM_001130978.2); c.4712_4726del, p.Ser1571_Glu1575del (NM_001130979.2); c.4670_4684del, p.Ser1557_Glu1561del (NM_001130980.2); c.4733_4747del, p.Ser1578_Glu1582del (NM_001130981.2); c.4715_4729del, p.Ser1572_Glu1576del (NM_001130982.2); and 6 more.
Identifiers: ClinVar variation 3896852 (VCV003896852.1).